The following is an entry in ClinVar:

ClinVar aggregate classification (germline): Pathogenic. Review status: criteria provided, multiple submitters, no conflicts (2 of 4 stars). 5 submissions from 5 submitters: Pathogenic (4). 1 of the submissions does not count toward it. Last evaluated 2025-12-30.

Conditions:
Mucolipidosis. Also called: Mucolipidoses. Identifiers: Orphanet 79212, MedGen C0026697, MONDO:0019248.
Mucolipidosis type II. Also called: ML II ALPHA/BETA; Mucolipidosis 2; ML 2; Inclusion cell disease; Leroy Disease; N-acetylglucosamine 1phosphotransferase deficiency. Identifiers: Orphanet 576, MedGen C2673377, MONDO:0009650, OMIM 252500.
Pseudo-Hurler polydystrophy. Also called: ML III; ML III ALPHA/BETA; Type III Mucolipidosis; ML IIIA; MUCOLIPIDOSIS IIIA; Mucolipidosis III Alpha/Beta. Identifiers: Orphanet 423461, Orphanet 577, MedGen C0033788, MONDO:0018931, OMIM 252600.

Submissions (5):

Labcorp Genetics (formerly Invitae), Labcorp
Classification: Pathogenic for Pseudo-Hurler polydystrophy; Mucolipidosis type II. Last evaluated: 2025-12-30. Review status: criteria provided, single submitter. Criteria: Invitae Variant Classification Sherloc (09022015). Collection method: clinical testing. Allele origin: germline.
Comment: This sequence change creates a premature translational stop signal (p.Thr1032Hisfs*11) in the GNPTAB gene. It is expected to result in an absent or disrupted protein product. Loss-of-function variants in GNPTAB are known to be pathogenic (PMID: 19617216, 25107912). This variant is not present in population databases (gnomAD no frequency). This premature translational stop signal has been observed in individual(s) with mucolipidosis type II alpha/beta (PMID: 29872134). ClinVar contains an entry for this variant (Variation ID: 813486). For these reasons, this variant has been classified as Pathogenic.

Natera, Inc.
Classification: Pathogenic for Mucolipidosis type II. Last evaluated: 2025-02-24. Review status: criteria provided, single submitter. Criteria: Natera Variant Classification Schema (03/2026). Collection method: clinical testing. Allele origin: germline.
Comment: The c.3094delA variant in GNPTAB is a frameshift variant predicted to shift the reading frame beginning at codon 1032 and leads to a stop codon 11 codons downstream. This variant is expected to result in nonsense mediated decay, truncation, or a dysfunctional protein product. This variant is rare in the general population with a frequency below the threshold expected for the associated phenotype(s). This variant has been observed in one or more individuals affected with the associated recessive disease, as either homozygous or compound heterozygous with a second variant (PMID: 29872134). Given the available evidence, this variant is classified as Pathogenic.

Baylor Genetics
Classification: Pathogenic for Mucolipidosis type II. Review status: criteria provided, single submitter. Criteria: ACMG Guidelines, 2015. Collection method: clinical testing. Allele origin: germline.

Juno Genomics, Hangzhou Juno Genomics, Inc
Classification: Pathogenic for Mucolipidosis type II; Pseudo-Hurler polydystrophy. Review status: criteria provided, single submitter. Criteria: ACMG Guidelines, 2015. Collection method: clinical testing. Allele origin: germline.
Comment: Absent from controls (or at extremely low frequency if recessive) in Genome Aggregation Database.;Null variant in a gene where loss of function (LOF) is a known mechanism of disease.;For recessive disorders, detected in trans with a pathogenic variant.;Patient's phenotype or family history is highly specific for a disease with a single genetic etiology.

Department of Genetics and Endocrinology, Guangzhou Women and Children’s Medical Center
Classification: Pathogenic for Mucolipidosis. Review status: no assertion criteria provided. Collection method: clinical testing. Allele origin: inherited. Affected: yes. Not counted in ClinVar's aggregate classification.

Literature cited by the submitters: PubMed 19617216 (cited by Labcorp Genetics (formerly Invitae), Labcorp); PubMed 25107912 (cited by Labcorp Genetics (formerly Invitae), Labcorp); PubMed 29872134 (cited by Labcorp Genetics (formerly Invitae), Labcorp and Natera, Inc.).

NM_024312.5(GNPTAB):c.3094del (p.Thr1032fs)

Gene: GNPTAB (N-acetylglucosamine-1-phosphate transferase subunits alpha and beta; minus strand). Cytogenetic location: 12q23.2.
Variant type: Deletion.
Coding change: c.3094del on transcript NM_024312.5 (MANE Select); coding-DNA position 3094, one base deleted (A; older notation c.3094delA).
Protein change: p.Thr1032fs; shifts the reading frame from threonine 1032.
Molecular consequence: frameshift variant.
Genome position (GRCh38, 1-based): chr12:101,761,168, T deleted on the plus strand (A on the coding strand, the reverse complement: GNPTAB is on the minus strand); the first of 2 consecutive T bases (chr12:101,761,168-101,761,169); deleting either gives the same sequence. VCF-style (leftmost placement, unchanged base first): chr12-101761167-GT-G. GRCh37 (hg19) VCF-style: chr12-102154945-GT-G.
Other names: c.3094delA (NM_024312.4, NM_024312.5); short protein forms T1032fs.
Identifiers: ClinVar variation 813486 (VCV000813486.14), dbSNP rs1594210760, ClinGen allele CA915946677.